The following is an entry in ClinVar:

NM_000038.6(APC):c.1178C>G (p.Ser393Ter)

Gene: APC (APC regulator of Wnt signaling pathway; plus strand). Cytogenetic location: 5q22.2.
Variant type: single nucleotide variant.
Coding change: c.1178C>G on transcript NM_000038.6 (MANE Select); coding-DNA position 1178, C replaced by G.
Protein change: p.Ser393Ter; replaces serine 393 with a stop codon.
Molecular consequence: nonsense. On other transcripts: intron variant (4).
Genome position (GRCh38, 1-based): chr5:112,819,210, C>G. VCF-style: chr5-112819210-C-G. GRCh37 (hg19) VCF-style: chr5-112154907-C-G.
Other names: c.1178C>G, p.Ser393Ter (NM_001127510.3, NM_001354895.2, NM_001354896.2); c.1124C>G, p.Ser375Ter (NM_001127511.3); c.1208C>G, p.Ser403Ter (NM_001354897.2); c.1103C>G, p.Ser368Ter (NM_001354898.2); c.1094C>G, p.Ser365Ter (NM_001354899.2); c.1001C>G, p.Ser334Ter (NM_001354900.2, NM_001354901.2); c.329C>G, p.Ser110Ter (NM_001354906.2); c.964-59C>G (NM_001354902.2); and 3 more; short protein forms S375*, S393*, S334*, S368*, S403*, S110*, S365*.
Identifiers: ClinVar variation 428093 (VCV000428093.16), dbSNP rs1114167545, ClinGen allele CA16023886.

ClinVar aggregate classification (germline): Pathogenic. Review status: criteria provided, multiple submitters, no conflicts (2 of 4 stars). 4 submissions from 4 submitters: Pathogenic (4). Last evaluated 2024-06-04.

Conditions:
Hereditary cancer-predisposing syndrome. Also called: Hereditary Cancer Syndrome; Neoplastic Syndromes, Hereditary; Hereditary neoplastic syndrome; Tumor predisposition. Identifiers: Orphanet 140162, MedGen C0027672, MeSH D009386, MONDO:0015356.
Familial adenomatous polyposis 1 (FAP1). Also called: FAMILIAL ADENOMATOUS POLYPOSIS 1, ATTENUATED; POLYPOSIS, ADENOMATOUS INTESTINAL. Identifiers: MedGen C2713442, MONDO:0021056, OMIM 175100. Disease mechanism: loss of function.
Familial multiple polyposis syndrome (FAP). Also called: Classic familial adenomatous polyposis; Familial adenomatous polyposis; Familial intestinal polyposis; Familial Adenomatous Polyposis (FAP); Familial polyposis. Identifiers: Orphanet 733, MedGen C0032580, MONDO:0021055. Disease mechanism: loss of function.

Submissions (4):

Labcorp Genetics (formerly Invitae), Labcorp
Classification: Pathogenic for Familial adenomatous polyposis 1. Last evaluated: 2024-06-04. Review status: criteria provided, single submitter. Criteria: Invitae Variant Classification Sherloc (09022015). Collection method: clinical testing. Allele origin: germline.
Comment: This sequence change creates a premature translational stop signal (p.Ser393*) in the APC gene. It is expected to result in an absent or disrupted protein product. Loss-of-function variants in APC are known to be pathogenic (PMID: 17963004, 20685668). This variant is not present in population databases (gnomAD no frequency). This variant has not been reported in the literature in individuals affected with APC-related conditions. ClinVar contains an entry for this variant (Variation ID: 428093). For these reasons, this variant has been classified as Pathogenic.

Women's Health and Genetics/Laboratory Corporation of America, LabCorp
Classification: Pathogenic for Familial multiple polyposis syndrome. Last evaluated: 2023-08-24. Review status: criteria provided, single submitter. Criteria: LabCorp Variant Classification Summary - May 2015. Collection method: clinical testing. Allele origin: germline.
Comment: Variant summary: APC c.1178C>G (p.Ser393X) results in a premature termination codon, predicted to cause a truncation of the encoded protein or absence of the protein due to nonsense mediated decay, which are commonly known mechanisms for disease. The variant was absent in 250558 control chromosomes. To our knowledge, no occurrence of c.1178C>G in individuals affected with Familial Adenomatous Polyposis and no experimental evidence demonstrating its impact on protein function have been reported. Two submitters have cited clinical-significance assessments for this variant to ClinVar after 2014. All submitters classified the variant as pathogenic. Based on the evidence outlined above, the variant was classified as pathogenic.

Myriad Genetics, Inc.
Classification: Pathogenic for Familial adenomatous polyposis 1. Last evaluated: 2023-04-28. Review status: criteria provided, single submitter. Criteria: Myriad Autosomal Dominant, Autosomal Recessive and X-Linked Classification Criteria (2023). Collection method: clinical testing. Allele origin: unknown.
Comment: This variant is considered pathogenic. This variant creates a termination codon and is predicted to result in premature protein truncation.

Ambry Genetics
Classification: Pathogenic for Hereditary cancer-predisposing syndrome. Last evaluated: 2023-04-10. Review status: criteria provided, single submitter. Criteria: Ambry Variant Classification Scheme 2023. Collection method: clinical testing. Allele origin: germline.
Comment: The p.S393* pathogenic mutation (also known as c.1178C>G), located in coding exon 9 of the APC gene, results from a C to G substitution at nucleotide position 1178. This changes the amino acid from a serine to a stop codon within coding exon 9. This alteration has been observed in at least one individual with a personal and/or family history that is consistent with APC-related disease (Ambry internal data). This variant is considered to be rare based on population cohorts in the Genome Aggregation Database (gnomAD). This alteration is expected to result in loss of function by premature protein truncation or nonsense-mediated mRNA decay. As such, this alteration is interpreted as a disease-causing mutation.

Literature cited by the submitters: PubMed 17963004 (cited by Labcorp Genetics (formerly Invitae), Labcorp); PubMed 20685668 (cited by Labcorp Genetics (formerly Invitae), Labcorp).